The following is an entry in ClinVar:

ClinVar aggregate classification (germline): Pathogenic (1 of 4 stars; one submission).

Submission:

Labcorp Genetics (formerly Invitae), Labcorp
Classification: Pathogenic. Last evaluated: 2020-08-16. Review status: criteria provided, single submitter. Criteria: Invitae Variant Classification Sherloc (09022015). Collection method: clinical testing. Allele origin: germline.
Comment: This variant is not present in population databases (ExAC no frequency). For these reasons, this variant has been classified as Pathogenic. Loss-of-function variants in RHO are known to be pathogenic (PMID: 1303237, 21174529). Algorithms developed to predict the effect of sequence changes on RNA splicing suggest that this variant may create or strengthen a splice site, but this prediction has not been confirmed by published transcriptional studies. Experimental studies have shown that this variant affects RHO protein function (PMID: 30977563). This nonsense change has been observed in individual(s) with autosomal dominant retinitis pigmentosa (PMID: 29847639, 24265693, Invitae). This sequence change creates a premature translational stop signal (p.Tyr60*) in the RHO gene. It is expected to result in an absent or disrupted protein product.

Literature cited by the submitters: PubMed 1303237; PubMed 21174529; PubMed 30977563; PubMed 29847639; PubMed 24265693.

NM_000539.3(RHO):c.180C>G (p.Tyr60Ter)

Gene: RHO (rhodopsin; plus strand). Cytogenetic location: 3q22.1.
Variant type: single nucleotide variant.
Coding change: c.180C>G on transcript NM_000539.3 (MANE Select); coding-DNA position 180, C replaced by G.
Protein change: p.Tyr60Ter; replaces tyrosine 60 with a stop codon.
Molecular consequence: nonsense.
Genome position (GRCh38, 1-based): chr3:129,528,913, C>G. VCF-style: chr3-129528913-C-G. GRCh37 (hg19) VCF-style: chr3-129247756-C-G.
Other names: short protein forms Y60*.
Identifiers: ClinVar variation 1070456 (VCV001070456.9), dbSNP rs527236101, ClinGen allele CA354496086.